The following is an entry in ClinVar:

ClinVar aggregate classification (germline): Uncertain significance (1 of 4 stars; one submission).

Conditions:
Retinoblastoma (RB1). Also called: RETINOBLASTOMA, SOMATIC. Identifiers: Orphanet 790, MedGen C0035335, MeSH D012175, MONDO:0008380, OMIM 180200, HP:0009919. Disease mechanism: loss of function. Inheritance: Both sporadic and heritable forms are tested..

Submission:

Labcorp Genetics (formerly Invitae), Labcorp
Classification: Uncertain significance for Retinoblastoma. Last evaluated: 2024-02-12. Review status: criteria provided, single submitter. Criteria: Invitae Variant Classification Sherloc (09022015). Collection method: clinical testing. Allele origin: germline.
Comment: This sequence change replaces tryptophan, which is neutral and slightly polar, with serine, which is neutral and polar, at codon 516 of the RB1 protein (p.Trp516Ser). This variant is not present in population databases (gnomAD no frequency). This variant has not been reported in the literature in individuals affected with RB1-related conditions. ClinVar contains an entry for this variant (Variation ID: 458131). Advanced modeling of protein sequence and biophysical properties (such as structural, functional, and spatial information, amino acid conservation, physicochemical variation, residue mobility, and thermodynamic stability) performed at Invitae indicates that this missense variant is expected to disrupt RB1 protein function with a positive predictive value of 80%. In summary, the available evidence is currently insufficient to determine the role of this variant in disease. Therefore, it has been classified as a Variant of Uncertain Significance.

NM_000321.3(RB1):c.1547G>C (p.Trp516Ser)

Gene: RB1 (RB transcriptional corepressor 1; plus strand). Cytogenetic location: 13q14.2.
Variant type: single nucleotide variant.
Coding change: c.1547G>C on transcript NM_000321.3 (MANE Select); coding-DNA position 1547, G replaced by C.
Protein change: p.Trp516Ser; replaces tryptophan 516 with serine.
Molecular consequence: missense variant.
Genome position (GRCh38, 1-based): chr13:48,381,295, G>C. VCF-style: chr13-48381295-G-C. GRCh37 (hg19) VCF-style: chr13-48955431-G-C.
Other names: short protein forms W516S.
Identifiers: ClinVar variation 458131 (VCV000458131.9), dbSNP rs1555286687, ClinGen allele CA388163457.